The following is an entry in ClinVar:

ClinVar aggregate classification (germline): Benign. Review status: criteria provided, multiple submitters, no conflicts (2 of 4 stars). 3 submissions from 3 submitters: Benign (3). Last evaluated 2026-02-04.

Conditions:
Junctional epidermolysis bullosa, non-Herlitz type. Also called: EPIDERMOLYSIS BULLOSA JUNCTIONALIS, DISENTIS TYPE; EPIDERMOLYSIS BULLOSA JUNCTIONALIS, NON-HERLITZ TYPE; EPIDERMOLYSIS BULLOSA JUNCTIONALIS, PROGRESSIVE; EPIDERMOLYSIS BULLOSA JUNCTIONALIS, SEVERE NONLETHAL; Adult junctional epidermolysis bullosa; Epidermolysis bullosa, junctional, non-herlitz type, somatic mosaic revertant. Identifiers: Orphanet 251393, Orphanet 79402, Orphanet 79405, Orphanet 89840, MedGen C0268374, MONDO:0009180, OMIM 226650.

Allele frequency attached by ClinVar (database versions not stated): 1000 Genomes Project 30x 0.09775; 1000 Genomes Project 0.09964; gnomAD 0.11666 and 0.11956; ESP Exome Variant Server 0.11741; TOPMed 0.11985; ExAC 0.13902; gnomAD exomes 0.14194 and 0.15406.
gnomAD v4.1: 243,087 of 1,613,480 alleles (15%); highest among the groups gnomAD compares: Middle Eastern, 19%; 19,939 homozygotes.

Submissions (3):

Labcorp Genetics (formerly Invitae), Labcorp
Classification: Benign. Last evaluated: 2026-02-04. Review status: criteria provided, single submitter. Criteria: Invitae Variant Classification Sherloc (09022015). Collection method: clinical testing. Allele origin: germline.

Illumina Laboratory Services, Illumina
Classification: Benign for Junctional epidermolysis bullosa, non-Herlitz type. Last evaluated: 2018-01-13. Review status: criteria provided, single submitter. Criteria: ICSL Variant Classification Criteria 13 December 2019. Collection method: clinical testing. Allele origin: germline.
Comment: This variant was observed in the ICSL laboratory as part of a predisposition screen in an ostensibly healthy population. It had not been previously curated by ICSL or reported in the Human Gene Mutation Database (HGMD: prior to June 1st, 2018), and was therefore a candidate for classification through an automated scoring system. Utilizing variant allele frequency, disease prevalence and penetrance estimates, and inheritance mode, an automated score was calculated to assess if this variant is too frequent to cause the disease. Based on the score and internal cut-off values, a variant classified as benign is not then subjected to further curation. The score for this variant resulted in a classification of benign for this disease.

Breakthrough Genomics
Classification: Benign. Review status: criteria provided, single submitter. Criteria: ACMG Guidelines, 2015. Collection method: not provided. Allele origin: germline. Inheritance: Autosomal recessive inheritance. Affected: yes.

NM_000494.4(COL17A1):c.1717+14T>C

Gene: COL17A1 (collagen type XVII alpha 1 chain; minus strand). Cytogenetic location: 10q25.1.
Variant type: single nucleotide variant.
Coding change: c.1717+14T>C on transcript NM_000494.4 (MANE Select); 14 bases into the intron after coding-DNA position 1717, T replaced by C.
Molecular consequence: intron variant.
Genome position (GRCh38, 1-based): chr10:104,055,358, A>G on the plus strand (T>C on the coding strand, the complement: COL17A1 is on the minus strand). VCF-style: chr10-104055358-A-G. GRCh37 (hg19) VCF-style: chr10-105815116-A-G.
Other names: c.1717+14T>C (LRG_1249t1).
Identifiers: ClinVar variation 298725 (VCV000298725.17), dbSNP rs17821926, ClinGen allele CA5678926.